The following is an entry in ClinVar:

NM_000307.5(POU3F4):c.67_127del (p.Ala23fs)

Gene: POU3F4 (POU class 3 homeobox 4; plus strand). Cytogenetic location: Xq21.1.
Variant type: Deletion.
Coding change: c.67_127del on transcript NM_000307.5 (MANE Select); coding-DNA positions 67 to 127, 61 bases deleted.
Protein change: p.Ala23fs; shifts the reading frame from alanine 23.
Molecular consequence: frameshift variant.
Genome position (GRCh38, 1-based): chrX:83,508,391-83,508,451, 61 bases deleted. GRCh37 (hg19): chrX:82,763,399-82,763,459.
Other names: short protein forms A23fs.
Identifiers: ClinVar variation 3601666 (VCV003601666.1).

ClinVar aggregate classification (germline): Pathogenic (1 of 4 stars; one submission).

Conditions:
X-linked mixed hearing loss with perilymphatic gusher. Also called: Deafness, X-linked 2; NANCE DEAFNESS; PERILYMPHATIC GUSHER-DEAFNESS SYNDROME; SENSORINEURAL DEAFNESS, PROFOUND, WITH OR WITHOUT A CONDUCTIVE COMPONENT, ASSOCIATED WITH A UNIQUE DEVELOPMENTAL ABNORMALITY OF THE EAR; Gusher syndrome. Identifiers: Orphanet 383, MedGen C1844678, MONDO:0010576, OMIM 304400.

Submission:

Institute of Rare Diseases, West China Hospital, Sichuan University
Classification: Pathogenic for X-linked mixed hearing loss with perilymphatic gusher. Last evaluated: 2025-01-09. Review status: criteria provided, single submitter. Criteria: ClinGen HL ACMG Specifications v1. Collection method: research. Allele origin: germline. Affected: yes.
Comment: PVS1;PM3_Supporting;PM2_Supporting